The following is an entry in ClinVar:

NM_000222.3(KIT):c.976A>G (p.Asn326Asp)

Gene: KIT (KIT proto-oncogene, receptor tyrosine kinase; plus strand). Cytogenetic location: 4q12.
Variant type: single nucleotide variant.
Coding change: c.976A>G on transcript NM_000222.3 (MANE Select); coding-DNA position 976, A replaced by G.
Protein change: p.Asn326Asp; replaces asparagine 326 with aspartic acid.
Molecular consequence: missense variant.
Genome position (GRCh38, 1-based): chr4:54,707,148, A>G. VCF-style: chr4-54707148-A-G. GRCh37 (hg19) VCF-style: chr4-55573314-A-G.
Other names: c.976A>G, p.Asn326Asp (NM_001093772.2, NM_001385285.1, NM_001385286.1); c.979A>G, p.Asn327Asp (NM_001385284.1, NM_001385288.1, NM_001385290.1 and 1 more transcripts); short protein forms N326D, N327D.
Identifiers: ClinVar variation 936026 (VCV000936026.10), dbSNP rs1720840263, ClinGen allele CA356900870.

ClinVar aggregate classification (germline): Uncertain significance (1 of 4 stars; one submission).

Conditions:
Gastrointestinal stromal tumor. Also called: Gastrointestinal stromal tumor, somatic; Gastrointestinal stroma tumor. Identifiers: Orphanet 44890, MedGen C0238198, MeSH D046152, MONDO:0011719, OMIM 606764, HP:0100723.

Allele frequency attached by ClinVar (database versions not stated): gnomAD exomes below 0.00001.
gnomAD v4.1: 1 of 1,581,102 alleles (0.000063%); highest among the groups gnomAD compares: Non-Finnish European, 0.000087%; no homozygotes.

Submission:

Labcorp Genetics (formerly Invitae), Labcorp
Classification: Uncertain significance for Gastrointestinal stromal tumor. Last evaluated: 2019-09-05. Review status: criteria provided, single submitter. Criteria: Invitae Variant Classification Sherloc (09022015). Collection method: clinical testing. Allele origin: germline.
Comment: In summary, the available evidence is currently insufficient to determine the role of this variant in disease. Therefore, it has been classified as a Variant of Uncertain Significance. Algorithms developed to predict the effect of missense changes on protein structure and function are either unavailable or do not agree on the potential impact of this missense change (SIFT: "Tolerated"; PolyPhen-2: "Possibly Damaging"; Align-GVGD: "Class C0"). This variant has not been reported in the literature in individuals with KIT-related conditions. This variant is not present in population databases (ExAC no frequency). This sequence change replaces asparagine with aspartic acid at codon 326 of the KIT protein (p.Asn326Asp). The asparagine residue is moderately conserved and there is a small physicochemical difference between asparagine and aspartic acid.